The following is an entry in ClinVar:

NM_007325.5(GRIA3):c.2591A>G (p.Gln864Arg)

Gene: GRIA3 (glutamate ionotropic receptor AMPA type subunit 3; plus strand). Cytogenetic location: Xq25.
Variant type: single nucleotide variant.
Coding change: c.2591A>G on transcript NM_007325.5 (MANE Select); coding-DNA position 2591, A replaced by G.
Protein change: p.Gln864Arg; replaces glutamine 864 with arginine.
Molecular consequence: missense variant.
Genome position (GRCh38, 1-based): chrX:123,482,950, A>G. VCF-style: chrX-123482950-A-G. GRCh37 (hg19) VCF-style: chrX-122616801-A-G.
Other names: c.2591A>G, p.Gln864Arg (NM_000828.5); short protein forms Q864R.
Identifiers: ClinVar variation 2497772 (VCV002497772.2), dbSNP rs2521368439, ClinGen allele CA414256119.

ClinVar aggregate classification (germline): Uncertain significance (1 of 4 stars; one submission).

Submission:

GeneDx
Classification: Uncertain significance. Last evaluated: 2025-04-17. Review status: criteria provided, single submitter. Criteria: GeneDx Variant Classification Process June 2021. Collection method: clinical testing. Allele origin: germline.
Comment: Not observed at significant frequency in large population cohorts (gnomAD); In silico analysis indicates that this missense variant does not alter protein structure/function; Has not been previously published as pathogenic or benign to our knowledge